The following is an entry in ClinVar:

ClinVar aggregate classification (germline): Likely pathogenic (1 of 4 stars; one submission).

Conditions:
Dilated cardiomyopathy 1G (CMD1G). Identifiers: Orphanet 154, MedGen C1858763, MONDO:0011400, OMIM 604145.
Autosomal recessive limb-girdle muscular dystrophy type 2J (LGMDR10). Also called: Limb-girdle muscular dystrophy, type 2J; MUSCULAR DYSTROPHY, LIMB-GIRDLE, AUTOSOMAL RECESSIVE 10. Identifiers: Orphanet 140922, MedGen C1837342, MONDO:0012127, OMIM 608807.

Submission:

Labcorp Genetics (formerly Invitae), Labcorp
Classification: Likely pathogenic for Dilated cardiomyopathy 1G; Autosomal recessive limb-girdle muscular dystrophy type 2J. Last evaluated: 2024-08-12. Review status: criteria provided, single submitter. Criteria: Invitae Variant Classification Sherloc (09022015). Collection method: clinical testing. Allele origin: germline.
Comment: This sequence change creates a premature translational stop signal (p.Lys30762Hisfs*14) in the TTN gene. While this is not anticipated to result in nonsense mediated decay, it is expected to create a truncated TTN protein. This variant is not present in population databases (gnomAD no frequency). This variant has not been reported in the literature in individuals affected with TTN-related conditions. ClinVar contains an entry for this variant (Variation ID: 1464786). This variant is located in the A band of TTN (PMID: 25589632). Truncating variants in this region are significantly overrepresented in patients affected with dilated cardiomyopathy (PMID: 25589632). Truncating variants in this region have also been reported in individuals affected with autosomal recessive centronuclear myopathy (PMID: 23975875). In summary, the currently available evidence indicates that the variant is pathogenic, but additional data are needed to prove that conclusively. Therefore, this variant has been classified as Likely Pathogenic.

Literature cited by the submitters: PubMed 25589632; PubMed 23975875.

NM_001267550.2(TTN):c.92284_92288del (p.Lys30762fs)

Genes: TTN-AS1 (TTN antisense RNA 1; plus strand), TTN (titin; minus strand). Cytogenetic location: 2q31.2.
Variant type: Microsatellite.
Coding change: c.92284_92288del on transcript NM_001267550.2 (MANE Select); coding-DNA positions 92284 to 92288, 5 bases deleted (AAAAG; older notation c.92284_92288delAAAAG).
Protein change: p.Lys30762fs; shifts the reading frame from lysine 30762.
Molecular consequence: frameshift variant.
Genome position (GRCh38, 1-based): chr2:178,549,338-178,549,342, CTTTT deleted on the plus strand (AAAAG on the coding strand, the reverse complement: TTN is on the minus strand); deleting any 5 consecutive bases within chr2:178,549,338-178,549,349 gives the same sequence; the c. name uses the placement nearest the transcript's 3' end. VCF-style (leftmost placement, unchanged base first): chr2-178549337-GCTTTT-G. GRCh37 (hg19) VCF-style: chr2-179414064-GCTTTT-G.
Other names: c.87361_87365del, p.Lys29121fs (NM_001256850.1); c.65089_65093del, p.Lys21697fs (NM_003319.4); c.84580_84584del, p.Lys28194fs (NM_133378.4); c.65464_65468del, p.Lys21822fs (NM_133432.3); c.65665_65669del, p.Lys21889fs (NM_133437.4); short protein forms K21822fs, K21889fs, K30762fs, K29121fs, K21697fs, K28194fs.
Identifiers: ClinVar variation 1464786 (VCV001464786.6), dbSNP rs756367933, ClinGen allele CA2580614455.